The following is an entry in ClinVar:

NM_001384140.1(PCDH15):c.157+3_157+6del

Genes: PCDH15 (protocadherin related 15; minus strand), LOC105378311 (uncharacterized LOC105378311; plus strand). Cytogenetic location: 10q21.1.
Variant type: Deletion.
Coding change: c.157+3_157+6del on transcript NM_001384140.1 (MANE Select); bases 3 to 6 of the intron after coding-DNA position 157, 4 bases deleted (AAGT; older notation c.157+3_157+6delAAGT).
Molecular consequence: splice donor variant. On other transcripts: intron variant (3).
Genome position (GRCh38, 1-based): chr10:54,527,806-54,527,809, ACTT deleted on the plus strand (AAGT on the coding strand, the reverse complement: PCDH15 is on the minus strand); deleting any 4 consecutive bases within chr10:54,527,806-54,527,811 gives the same sequence; the c. name uses the placement nearest the transcript's 3' end. VCF-style (leftmost placement, unchanged base first): chr10-54527805-CACTT-C. GRCh37 (hg19) VCF-style: chr10-56287565-CACTT-C.
Other names: c.157+3_157+6del (NM_001354420.2, NM_001354429.2, NM_001142772.2 and 8 more transcripts); c.172+3_172+6del (NM_001142771.2, NM_001142769.3, NM_001142763.2); c.91+136363_91+136366del (NM_001354404.2, NM_001142773.2, NM_001142768.2).
Identifiers: ClinVar variation 1677308 (VCV001677308.3), dbSNP rs1308495572, ClinGen allele CA593623225.

ClinVar aggregate classification (germline): Uncertain significance (1 of 4 stars; one submission).

Conditions:
Autosomal recessive nonsyndromic hearing loss 23. Identifiers: Orphanet 90636, MedGen C1836027, MONDO:0012293, OMIM 609533.

Submission:

Institute of Human Genetics, University of Goettingen
Classification: Uncertain significance for Autosomal recessive nonsyndromic hearing loss 23. Last evaluated: 2022-04-22. Review status: criteria provided, single submitter. Criteria: ACMG Guidelines, 2015. Collection method: clinical testing. Allele origin: unknown. Inheritance: Autosomal recessive inheritance. Observed: 1 heterozygote.
Comment: The variant c.157+3_157+6del (p?) in intron 3 of the PCDH15-gene is found at a population frequency of 0.0004% in the gnomAD database. It is an intronic deletion of 4 bps. The consequence of this mutation is not predictable and in silico prediction tools give a conflicting interpretation of pathogenicity regarding the effect of this variant on PCDH15-RNA-splicing. Thus far, the variant is not listed in literature, thus it is classified as a variant of unknown significance. ACMG criteria used for classification: PM2, PM3.